The following is an entry in ClinVar:

ClinVar aggregate classification (germline): Conflicting classifications of pathogenicity. Review status: criteria provided, conflicting classifications (1 of 4 stars). 7 submissions from 7 submitters: Uncertain significance (2); Benign (1); Likely benign (4). Last evaluated 2025-11-13.

Conditions:
Inborn genetic diseases. Identifiers: MedGen C0950123, MeSH D030342.
Intellectual developmental disorder, autosomal dominant 1. Also called: MBD5 Haploinsufficiency; Intellectual disability, autosomal dominant 1. Identifiers: Orphanet 228402, MedGen C1969562, MONDO:0007974, OMIM 156200.

Allele frequency attached by ClinVar (database versions not stated): gnomAD 0.00004 and 0.00005; ESP Exome Variant Server 0.00008; TOPMed 0.00005.
gnomAD v4.1: 85 of 1,614,008 alleles (0.0053%); highest among the groups gnomAD compares: Non-Finnish European, 0.0064%; no homozygotes.

Submissions (7):

Labcorp Genetics (formerly Invitae), Labcorp
Classification: Benign for Intellectual developmental disorder, autosomal dominant 1. Last evaluated: 2025-11-13. Review status: criteria provided, single submitter. Criteria: Invitae Variant Classification Sherloc (09022015). Collection method: clinical testing. Allele origin: germline.

Mayo Clinic Laboratories, Mayo Clinic
Classification: Likely benign. Last evaluated: 2025-09-23. Review status: criteria provided, single submitter. Criteria: ACMG Guidelines, 2015. Collection method: clinical testing. Allele origin: germline. Observed: 1 variant allele.
Comment: BS2, BP4_moderate

Blueprint Genetics
Classification: Likely benign. Last evaluated: 2024-10-09. Review status: criteria provided, single submitter. Criteria: ACMG Guidelines, 2015. Collection method: clinical testing. Allele origin: germline.

Ambry Genetics
Classification: Likely benign for Inborn genetic diseases. Last evaluated: 2023-12-18. Review status: criteria provided, single submitter. Criteria: Ambry Variant Classification Scheme 2023. Collection method: clinical testing. Allele origin: germline.

Center for Genomics, Ann and Robert H. Lurie Children's Hospital of Chicago
Classification: Uncertain significance for Intellectual developmental disorder, autosomal dominant 1. Last evaluated: 2021-03-30. Review status: criteria provided, single submitter. Criteria: ACMG Guidelines, 2015. Collection method: clinical testing. Allele origin: germline.
Comment: MBD5 NM_018328.4 exon 12 p.Val1085Ile (c.3253G>A): This variant has not been reported in the literature but is present in 12/126680 European alleles in the Genome Aggregation Database. This variant is present in ClinVar (Variation ID:279846). This variant amino acid isoleucine (Ile) is present in 3 mammals but is well conserved among evolutionarily distant species. Additional computational prediction tools are unclear. In summary, data on this variant is insufficient for disease classification. Therefore, the clinical significance of this variant is uncertain.

CeGaT Center for Human Genetics Tuebingen
Classification: Uncertain significance. Last evaluated: 2020-10-01. Review status: criteria provided, single submitter. Criteria: CeGaT Center For Human Genetics Tuebingen Variant Classification Criteria Version 2. Collection method: clinical testing. Allele origin: germline. Affected: yes. Observed: 1 variant allele.

GeneDx
Classification: Likely benign. Last evaluated: 2020-05-21. Review status: criteria provided, single submitter. Criteria: GeneDx Variant Classification Process June 2021. Collection method: clinical testing. Allele origin: germline. Affected: yes.

NM_001378120.1(MBD5):c.3952G>A (p.Val1318Ile)

Gene: MBD5 (methyl-CpG binding domain protein 5; plus strand). Cytogenetic location: 2q23.1.
Variant type: single nucleotide variant.
Coding change: c.3952G>A on transcript NM_001378120.1 (MANE Select); coding-DNA position 3952, G replaced by A.
Protein change: p.Val1318Ile; replaces valine 1318 with isoleucine.
Molecular consequence: missense variant.
Genome position (GRCh38, 1-based): chr2:148,489,584, G>A. VCF-style: chr2-148489584-G-A. GRCh37 (hg19) VCF-style: chr2-149247153-G-A.
Other names: p.Val1085Ile; c.3253G>A, p.Val1085Ile (NM_018328.5); short protein forms V1085I, V1318I.
Identifiers: ClinVar variation 279846 (VCV000279846.60), dbSNP rs199626531, ClinGen allele CA1900363.